The following is an entry in ClinVar:

NM_000038.6(APC):c.3355C>G (p.His1119Asp)

Gene: APC (APC regulator of Wnt signaling pathway; plus strand). Cytogenetic location: 5q22.2.
Variant type: single nucleotide variant.
Coding change: c.3355C>G on transcript NM_000038.6 (MANE Select); coding-DNA position 3355, C replaced by G.
Protein change: p.His1119Asp; replaces histidine 1119 with aspartic acid.
Molecular consequence: missense variant.
Genome position (GRCh38, 1-based): chr5:112,838,949, C>G. VCF-style: chr5-112838949-C-G. GRCh37 (hg19) VCF-style: chr5-112174646-C-G.
Other names: c.3355C>G, p.His1119Asp (NM_001127510.3, NM_001354895.2); c.3301C>G, p.His1101Asp (NM_001127511.3); c.3409C>G, p.His1137Asp (NM_001354896.2); c.3385C>G, p.His1129Asp (NM_001354897.2); c.3280C>G, p.His1094Asp (NM_001354898.2); c.3271C>G, p.His1091Asp (NM_001354899.2); c.3232C>G, p.His1078Asp (NM_001354900.2); c.3178C>G, p.His1060Asp (NM_001354901.2); and 5 more; short protein forms H1101D, H1119D, H1060D, H993D, H1018D, H1129D, H1137D, H1028D.
Identifiers: ClinVar variation 469919 (VCV000469919.16), dbSNP rs1266515539, ClinGen allele CA16028682.

ClinVar aggregate classification (germline): Uncertain significance. Review status: criteria provided, multiple submitters, no conflicts (2 of 4 stars). 5 submissions from 5 submitters: Uncertain significance (5). Last evaluated 2024-02-22.

Conditions:
Hereditary cancer-predisposing syndrome. Also called: Hereditary neoplastic syndrome; Neoplastic Syndromes, Hereditary; Tumor predisposition; Hereditary Cancer Syndrome. Identifiers: Orphanet 140162, MedGen C0027672, MeSH D009386, MONDO:0015356.
Familial adenomatous polyposis 1 (FAP1). Also called: POLYPOSIS, ADENOMATOUS INTESTINAL; FAMILIAL ADENOMATOUS POLYPOSIS 1, ATTENUATED. Identifiers: MedGen C2713442, MONDO:0021056, OMIM 175100. Disease mechanism: loss of function.
Classic or attenuated familial adenomatous polyposis. Identifiers: MedGen CN372698, MONDO:0021057.

Allele frequency attached by ClinVar (database versions not stated): gnomAD 0.00001; TOPMed 0.00001.
gnomAD v4.1: 1 of 1,613,918 alleles (0.000062%); highest among the groups gnomAD compares: African/African-American, 0.0013%; no homozygotes.

Submissions (5):

All of Us Research Program, National Institutes of Health
Classification: Uncertain significance for Classic or attenuated familial adenomatous polyposis. Last evaluated: 2024-02-22. Review status: criteria provided, single submitter. Criteria: ACMG Guidelines, 2015. Collection method: clinical testing. Allele origin: germline. Inheritance: Autosomal dominant inheritance. Observed: 1 variant allele, 1 heterozygote.
Comment: This missense variant replaces histidine with aspartic acid at codon 1119 of the APC protein. Computational prediction suggests that this variant may not impact protein structure and function (internally defined REVEL score threshold <= 0.5, PMID: 27666373). To our knowledge, functional studies have not been reported for this variant. This variant has not been reported in individuals affected with APC-related disorders in the literature. This variant has been identified in 1/31388 chromosomes in the general population by the Genome Aggregation Database (gnomAD). The available evidence is insufficient to determine the role of this variant in disease conclusively. Therefore, this variant is classified as a Variant of Uncertain Significance.

This study involves interpretation of variants in research participants for the purpose of population health screening. Participant phenotype was not available at the time of variant classification. Additional details can be found in publication PMID: 35346344, PMCID: PMC8962531

Ambry Genetics
Classification: Uncertain significance for Hereditary cancer-predisposing syndrome. Last evaluated: 2023-09-28. Review status: criteria provided, single submitter. Criteria: Ambry Variant Classification Scheme 2023. Collection method: clinical testing. Allele origin: germline.
Comment: The p.H1119D variant (also known as c.3355C>G), located in coding exon 15 of the APC gene, results from a C to G substitution at nucleotide position 3355. The histidine at codon 1119 is replaced by aspartic acid, an amino acid with similar properties. This amino acid position is well conserved in available vertebrate species. In addition, in silico predictors for this gene do not accurately predict pathogenicity. Since supporting evidence is limited at this time, the clinical significance of this alteration remains unclear.

Labcorp Genetics (formerly Invitae), Labcorp
Classification: Uncertain significance for Familial adenomatous polyposis 1. Last evaluated: 2023-08-22. Review status: criteria provided, single submitter. Criteria: Invitae Variant Classification Sherloc (09022015). Collection method: clinical testing. Allele origin: germline.
Comment: Advanced modeling of protein sequence and biophysical properties (such as structural, functional, and spatial information, amino acid conservation, physicochemical variation, residue mobility, and thermodynamic stability) performed at Invitae indicates that this missense variant is not expected to disrupt APC protein function. In summary, the available evidence is currently insufficient to determine the role of this variant in disease. Therefore, it has been classified as a Variant of Uncertain Significance. ClinVar contains an entry for this variant (Variation ID: 469919). This variant has not been reported in the literature in individuals affected with APC-related conditions. This variant is present in population databases (no rsID available, gnomAD 0.01%). This sequence change replaces histidine, which is basic and polar, with aspartic acid, which is acidic and polar, at codon 1119 of the APC protein (p.His1119Asp).

GeneDx
Classification: Uncertain significance. Last evaluated: 2023-03-07. Review status: criteria provided, single submitter. Criteria: GeneDx Variant Classification Process June 2021. Collection method: clinical testing. Allele origin: germline. Affected: yes.
Comment: Not observed at significant frequency in large population cohorts (gnomAD); In silico analysis supports that this missense variant does not alter protein structure/function; Has not been previously published as pathogenic or benign to our knowledge; This variant is associated with the following publications: (PMID: 18199528, 30709382)

Quest Diagnostics Nichols Institute San Juan Capistrano
Classification: Uncertain significance. Last evaluated: 2020-08-14. Review status: criteria provided, single submitter. Criteria: Quest Diagnostics criteria. Collection method: clinical testing. Allele origin: unknown.